The following is an entry in ClinVar:

NM_001128159.3(VPS53):c.1452A>G (p.Gln484=)

Gene: VPS53 (VPS53 subunit of GARP complex; minus strand). Cytogenetic location: 17p13.3.
Variant type: single nucleotide variant.
Coding change: c.1452A>G on transcript NM_001128159.3 (MANE Select); coding-DNA position 1452, A replaced by G.
Protein change: p.Gln484=; no amino-acid change (glutamine 484 retained).
Molecular consequence: synonymous variant.
Genome position (GRCh38, 1-based): chr17:562,607, T>C on the plus strand (A>G on the coding strand, the complement: VPS53 is on the minus strand). VCF-style: chr17-562607-T-C. GRCh37 (hg19) VCF-style: chr17-465847-T-C.
Other names: c.1452A>G (NM_001128159.2); c.1452A>G, p.Gln484= (NM_001366253.2); c.858A>G, p.Gln286= (NM_001366254.2); c.1365A>G, p.Gln455= (NM_018289.4).
Identifiers: ClinVar variation 2720618 (VCV002720618.5), dbSNP rs370664941, ClinGen allele CA8261395.

ClinVar aggregate classification (germline): Benign. Review status: criteria provided, single submitter (1 of 4 stars). 2 submissions from 2 submitters: Benign (1). 1 of the submissions does not count toward it. Last evaluated 2025-10-13.

Conditions:
VPS53-related disorder. Also called: VPS53-related condition.

Allele frequency attached by ClinVar (database versions not stated): ExAC 0.00007; ESP Exome Variant Server 0.00008; gnomAD exomes 0.00016; TOPMed 0.00011; gnomAD 0.00010.
gnomAD v4.1: 242 of 1,613,926 alleles (0.015%); highest among the groups gnomAD compares: Non-Finnish European, 0.019%; no homozygotes.

Submissions (2):

Labcorp Genetics (formerly Invitae), Labcorp
Classification: Benign. Last evaluated: 2025-10-13. Review status: criteria provided, single submitter. Criteria: Invitae Variant Classification Sherloc (09022015). Collection method: clinical testing. Allele origin: germline.

PreventionGenetics, part of Exact Sciences
Classification: Likely benign for VPS53-related condition. Last evaluated: 2024-01-03. Review status: no assertion criteria provided. Collection method: clinical testing. Allele origin: germline. Not counted in ClinVar's aggregate classification.
Comment: This variant is classified as likely benign based on ACMG/AMP sequence variant interpretation guidelines (Richards et al. 2015 PMID: 25741868, with internal and published modifications).